The following is an entry in ClinVar:

NM_014994.3(MAPKBP1):c.2323C>G (p.Pro775Ala)

Gene: MAPKBP1 (mitogen-activated protein kinase binding protein 1; plus strand). Cytogenetic location: 15q15.1.
Variant type: single nucleotide variant.
Coding change: c.2323C>G on transcript NM_014994.3 (MANE Select); coding-DNA position 2323, C replaced by G.
Protein change: p.Pro775Ala; replaces proline 775 with alanine.
Molecular consequence: missense variant. On other transcripts: non-coding transcript variant (2).
Genome position (GRCh38, 1-based): chr15:41,819,277, C>G. VCF-style: chr15-41819277-C-G. GRCh37 (hg19) VCF-style: chr15-42111475-C-G.
Other names: p.Pro781Ala; c.2341C>G, p.Pro781Ala (NM_001128608.2); c.2323C>G, p.Pro775Ala (NM_001265611.2); short protein forms P775A, P781A.
Identifiers: ClinVar variation 3380260 (VCV003380260.1).

ClinVar aggregate classification (germline): Uncertain significance (1 of 4 stars; one submission).

Submission:

Mayo Clinic Laboratories, Mayo Clinic
Classification: Uncertain significance. Last evaluated: 2024-03-19. Review status: criteria provided, single submitter. Criteria: ACMG Guidelines, 2015. Collection method: clinical testing. Allele origin: germline. Observed: 1 variant allele.
Comment: BP4, PM2